The following is an entry in ClinVar:

ClinVar aggregate classification (germline): Uncertain significance (1 of 4 stars; one submission).

gnomAD v4.1: 24 of 1,614,158 alleles (0.0015%); highest among the groups gnomAD compares: Non-Finnish European, 0.002%; no homozygotes.

Submission:

Labcorp Genetics (formerly Invitae), Labcorp
Classification: Uncertain significance. Last evaluated: 2025-03-19. Review status: criteria provided, single submitter. Criteria: Invitae Variant Classification Sherloc (09022015). Collection method: clinical testing. Allele origin: germline.
Comment: This sequence change replaces valine, which is neutral and non-polar, with leucine, which is neutral and non-polar, at codon 668 of the C1S protein (p.Val668Leu). This variant is present in population databases (rs781811592, gnomAD 0.0009%). This variant has not been reported in the literature in individuals affected with C1S-related conditions. Invitae Evidence Modeling of protein sequence and biophysical properties (such as structural, functional, and spatial information, amino acid conservation, physicochemical variation, residue mobility, and thermodynamic stability) has been performed for this missense variant. However, the output from this modeling did not meet the statistical confidence thresholds required to predict the impact of this variant on C1S protein function. In summary, the available evidence is currently insufficient to determine the role of this variant in disease. Therefore, it has been classified as a Variant of Uncertain Significance.

NM_001734.5(C1S):c.2002G>C (p.Val668Leu)

Gene: C1S (complement C1s; plus strand). Cytogenetic location: 12p13.31.
Variant type: single nucleotide variant.
Coding change: c.2002G>C on transcript NM_001734.5 (MANE Select); coding-DNA position 2002, G replaced by C.
Protein change: p.Val668Leu; replaces valine 668 with leucine.
Molecular consequence: missense variant.
Genome position (GRCh38, 1-based): chr12:7,070,586, G>C. VCF-style: chr12-7070586-G-C. GRCh37 (hg19) VCF-style: chr12-7177890-G-C.
Other names: c.1501G>C, p.Val501Leu (NM_001346850.2); c.2002G>C, p.Val668Leu (NM_201442.4); short protein forms V501L, V668L.
Identifiers: ClinVar variation 3615886 (VCV003615886.2).